The following is an entry in ClinVar:

ClinVar aggregate classification (germline): Uncertain significance (1 of 4 stars; one submission).

Submission:

Labcorp Genetics (formerly Invitae), Labcorp
Classification: Uncertain significance. Last evaluated: 2024-11-29. Review status: criteria provided, single submitter. Criteria: Invitae Variant Classification Sherloc (09022015). Collection method: clinical testing. Allele origin: germline.
Comment: This sequence change replaces leucine, which is neutral and non-polar, with proline, which is neutral and non-polar, at codon 67 of the POMP protein (p.Leu67Pro). This variant is not present in population databases (gnomAD no frequency). This variant has not been reported in the literature in individuals affected with POMP-related conditions. An algorithm developed to predict the effect of missense changes on protein structure and function (PolyPhen-2) suggests that this variant is likely to be tolerated. In summary, the available evidence is currently insufficient to determine the role of this variant in disease. Therefore, it has been classified as a Variant of Uncertain Significance.

NM_015932.6(POMP):c.200T>C (p.Leu67Pro)

Gene: POMP (proteasome maturation protein; plus strand). Cytogenetic location: 13q12.3.
Variant type: single nucleotide variant.
Coding change: c.200T>C on transcript NM_015932.6 (MANE Select); coding-DNA position 200, T replaced by C.
Protein change: p.Leu67Pro; replaces leucine 67 with proline.
Molecular consequence: missense variant.
Genome position (GRCh38, 1-based): chr13:28,668,510, T>C. VCF-style: chr13-28668510-T-C. GRCh37 (hg19) VCF-style: chr13-29242647-T-C.
Other names: short protein forms L67P.
Identifiers: ClinVar variation 3726380 (VCV003726380.2).